The following is an entry in ClinVar:

NM_001267550.2(TTN):c.15794A>G (p.Glu5265Gly)

Gene: TTN (titin; minus strand). Cytogenetic location: 2q31.2.
Variant type: single nucleotide variant.
Coding change: c.15794A>G on transcript NM_001267550.2 (MANE Select); coding-DNA position 15794, A replaced by G.
Protein change: p.Glu5265Gly; replaces glutamic acid 5265 with glycine.
Molecular consequence: missense variant. On other transcripts: intron variant (3).
Genome position (GRCh38, 1-based): chr2:178,733,499, T>C on the plus strand (A>G on the coding strand, the complement: TTN is on the minus strand). VCF-style: chr2-178733499-T-C. GRCh37 (hg19) VCF-style: chr2-179598226-T-C.
Other names: c.14843A>G, p.Glu4948Gly (NM_001256850.1); c.12062A>G, p.Glu4021Gly (NM_133378.4); c.13282+4583A>G (NM_003319.4); c.13858+4583A>G (NM_133437.4); c.13657+4583A>G (NM_133432.3); short protein forms E4021G, E4948G, E5265G.
Identifiers: ClinVar variation 3257492 (VCV003257492.17).

ClinVar aggregate classification (germline): Uncertain significance (1 of 4 stars; one submission).

Submission:

CeGaT Center for Human Genetics Tuebingen
Classification: Uncertain significance. Last evaluated: 2024-07-01. Review status: criteria provided, single submitter. Criteria: CeGaT Center For Human Genetics Tuebingen Variant Classification Criteria Version 2. Collection method: clinical testing. Allele origin: germline. Affected: yes. Observed: 1 variant allele.
Comment: TTN: PM2